The following is an entry in ClinVar:

NM_007194.4(CHEK2):c.588del (p.Asn196fs)

Gene: CHEK2 (checkpoint kinase 2; minus strand). Cytogenetic location: 22q12.1.
Variant type: Deletion.
Coding change: c.588del on transcript NM_007194.4 (MANE Select); coding-DNA position 588, one base deleted (T; older notation c.588delT).
Protein change: p.Asn196fs; shifts the reading frame from asparagine 196.
Molecular consequence: frameshift variant. On other transcripts: 5 prime UTR variant (2), intron variant (1).
Genome position (GRCh38, 1-based): chr22:28,724,981, A deleted on the plus strand (T on the coding strand, the reverse complement: CHEK2 is on the minus strand). VCF-style (leftmost placement, unchanged base first): chr22-28724980-TA-T. GRCh37 (hg19) VCF-style: chr22-29120968-TA-T.
Other names: c.717del, p.Asn239fs (NM_001005735.3, NM_001438294.1); c.-190del (NM_001257387.3); c.-76del (NM_001437942.1); c.681del, p.Asn227fs (NM_001438293.1, NM_001438295.1); c.588del, p.Asn196fs (NM_145862.3); c.445-58del (NM_001349956.3); short protein forms N196fs, N227fs, N239fs.
Identifiers: ClinVar variation 4734073 (VCV004734073.1).

ClinVar aggregate classification (germline): Pathogenic (1 of 4 stars; one submission).

Conditions:
Familial cancer of breast. Also called: hereditary breast carcinoma; BREAST CANCER, FAMILIAL; Hereditary breast cancer. Identifiers: Orphanet 227535, MedGen C0346153, MONDO:0016419, OMIM 114480. Disease mechanism: loss of function.

Submission:

Labcorp Genetics (formerly Invitae), Labcorp
Classification: Pathogenic for Familial cancer of breast. Last evaluated: 2025-12-27. Review status: criteria provided, single submitter. Criteria: Invitae Variant Classification Sherloc (09022015). Collection method: clinical testing. Allele origin: germline.
Comment: This sequence change creates a premature translational stop signal (p.Asn196Lysfs*9) in the CHEK2 gene. It is expected to result in an absent or disrupted protein product. Loss-of-function variants in CHEK2 are known to be pathogenic (PMID: 21876083, 24713400). This variant is not present in population databases (gnomAD no frequency). This variant has not been reported in the literature in individuals affected with CHEK2-related conditions. For these reasons, this variant has been classified as Pathogenic.

Literature cited by the submitters: PubMed 21876083; PubMed 24713400.